The following is an entry in ClinVar:

NM_001330078.2(NRXN1):c.3365-109930G>T

Gene: NRXN1 (neurexin 1; minus strand). Cytogenetic location: 2p16.3.
Variant type: single nucleotide variant.
Coding change: c.3365-109930G>T on transcript NM_001330078.2 (MANE Select); 109930 bases into the intron before coding-DNA position 3365, G replaced by T.
Molecular consequence: intron variant. On other transcripts: missense variant (4).
Genome position (GRCh38, 1-based): chr2:50,346,900, C>A on the plus strand (G>T on the coding strand, the complement: NRXN1 is on the minus strand). VCF-style: chr2-50346900-C-A. GRCh37 (hg19) VCF-style: chr2-50574038-C-A.
Other names: p.G17V:GGC>GTC; c.50G>T, p.Gly17Val (NM_001330091.2, NM_001330092.2, NM_001330097.2 and 1 more transcripts); c.3254-109930G>T (NM_001330096.2, NM_001330087.2); c.3299-109930G>T (NM_001330083.2, NM_001330084.2); c.3284-109930G>T (NM_001330088.2); c.3362-109930G>T (NM_001330093.2); c.3353-109930G>T (NM_001330094.2); c.3314-109930G>T (NM_001330095.2); and 4 more; short protein forms G17V.
Identifiers: ClinVar variation 138559 (VCV000138559.10), dbSNP rs13413205, ClinGen allele CA292605.

ClinVar aggregate classification (germline): Benign. Review status: criteria provided, multiple submitters, no conflicts (2 of 4 stars). 4 submissions from 4 submitters: Benign (4). Last evaluated 2016-06-10.

Conditions:
Inborn genetic diseases. Identifiers: MedGen C0950123, MeSH D030342.

Allele frequency attached by ClinVar (database versions not stated): gnomAD 0.06571 and 0.06410; 1000 Genomes Project 30x 0.04076; TOPMed 0.05638; gnomAD exomes 0.11909; 1000 Genomes Project 0.04034; ExAC 0.09992.
gnomAD v4.1: 100,662 of 1,296,746 alleles (7.8%); highest among the groups gnomAD compares: Middle Eastern, 11%; 4,322 homozygotes.

Submissions (4):

Eurofins Ntd Llc (ga)
Classification: Benign. Last evaluated: 2016-06-10. Review status: criteria provided, single submitter. Criteria: EGL Classification Definitions 2015. Collection method: clinical testing. Allele origin: germline. Observed: 32 variant alleles, 24 heterozygotes, 8 homozygotes.

Ambry Genetics
Classification: Benign for Inborn genetic diseases. Last evaluated: 2016-03-18. Review status: criteria provided, single submitter. Criteria: Ambry Variant Classification Scheme 2023. Collection method: clinical testing. Allele origin: germline.

GeneDx
Classification: Benign. Last evaluated: 2012-03-06. Review status: criteria provided, single submitter. Criteria: GeneDx Variant Classification (06012015). Collection method: clinical testing. Allele origin: germline. Affected: yes.
Comment: This variant is considered likely benign or benign based on one or more of the following criteria: it is a conservative change, it occurs at a poorly conserved position in the protein, it is predicted to be benign by multiple in silico algorithms, and/or has population frequency not consistent with disease.

Breakthrough Genomics
Classification: Benign. Review status: criteria provided, single submitter. Criteria: ACMG Guidelines, 2015. Collection method: not provided. Allele origin: germline. Inheritance: Autosomal recessive inheritance. Affected: yes.